The following is an entry in ClinVar:

NM_203486.3(DLL3):c.1066C>T (p.Arg356Trp)

Gene: DLL3 (delta like canonical Notch ligand 3; plus strand). Cytogenetic location: 19q13.2.
Variant type: single nucleotide variant.
Coding change: c.1066C>T on transcript NM_203486.3 (MANE Select); coding-DNA position 1066, C replaced by T.
Protein change: p.Arg356Trp; replaces arginine 356 with tryptophan.
Molecular consequence: missense variant.
Genome position (GRCh38, 1-based): chr19:39,505,424, C>T. VCF-style: chr19-39505424-C-T. GRCh37 (hg19) VCF-style: chr19-39996064-C-T.
Other names: c.1066C>T, p.Arg356Trp (NM_016941.4); short protein forms R356W.
Identifiers: ClinVar variation 289692 (VCV000289692.14), dbSNP rs146274789, ClinGen allele CA9432342.

ClinVar aggregate classification (germline): Uncertain significance. Review status: criteria provided, multiple submitters, no conflicts (2 of 4 stars). 7 submissions from 6 submitters: Uncertain significance (7). Last evaluated 2024-08-27.

Conditions:
Spondylocostal dysostosis 1, autosomal recessive (SCDO1). Also called: DLL3-Related Spondylocostal Dysostosis, Autosomal Recessive. Identifiers: Orphanet 2311, MedGen CN032975, MONDO:0020692, OMIM 277300.
Inborn genetic diseases. Identifiers: MedGen C0950123, MeSH D030342.
Syndactyly. Also called: Webbed fingers or toes. Identifiers: MedGen C0039075, MONDO:0021002, HP:0001159.

Allele frequency attached by ClinVar (database versions not stated): gnomAD 0.00026; TOPMed 0.00033; ESP Exome Variant Server 0.00038; ExAC 0.00048.
gnomAD v4.1: 526 of 1,613,854 alleles (0.033%); highest among the groups gnomAD compares: Middle Eastern, 0.13%; no homozygotes.

Submissions (7):

Blueprint Genetics
Classification: Uncertain significance. Last evaluated: 2024-08-27. Review status: criteria provided, single submitter. Criteria: ACMG Guidelines, 2015. Collection method: clinical testing. Allele origin: germline.

Ambry Genetics
Classification: Uncertain significance for Inborn genetic diseases. Last evaluated: 2024-05-14. Review status: criteria provided, single submitter. Criteria: Ambry Variant Classification Scheme 2023. Collection method: clinical testing. Allele origin: germline.

Labcorp Genetics (formerly Invitae), Labcorp
Classification: Uncertain significance. Last evaluated: 2022-10-25. Review status: criteria provided, single submitter. Criteria: Invitae Variant Classification Sherloc (09022015). Collection method: clinical testing. Allele origin: germline.
Comment: This sequence change replaces arginine, which is basic and polar, with tryptophan, which is neutral and slightly polar, at codon 356 of the DLL3 protein (p.Arg356Trp). This variant is present in population databases (rs146274789, gnomAD 0.06%). This variant has not been reported in the literature in individuals affected with DLL3-related conditions. ClinVar contains an entry for this variant (Variation ID: 289692). Algorithms developed to predict the effect of missense changes on protein structure and function are either unavailable or do not agree on the potential impact of this missense change (SIFT: "Deleterious"; PolyPhen-2: "Probably Damaging"; Align-GVGD: "Class C0"). In summary, the available evidence is currently insufficient to determine the role of this variant in disease. Therefore, it has been classified as a Variant of Uncertain Significance.

Department of Pathology and Laboratory Medicine, Sinai Health System
Classification: Uncertain significance for spondylocostal dysostosis 1, autosomal recessive. Last evaluated: 2020-08-31. Review status: criteria provided, single submitter. Criteria: ACMG Guidelines, 2015. Collection method: research. Allele origin: germline.

Illumina Laboratory Services, Illumina
Classification: Uncertain significance for Spondylocostal dysostosis 1, autosomal recessive. Last evaluated: 2018-01-13. Review status: criteria provided, single submitter. Criteria: ICSL Variant Classification Criteria 13 December 2019. Collection method: clinical testing. Allele origin: germline.

Illumina Laboratory Services, Illumina
Classification: Uncertain significance for Non-syndromic syndactyly. Last evaluated: 2018-01-13. Review status: criteria provided, single submitter. Criteria: ICSL Variant Classification Criteria 13 December 2019. Collection method: clinical testing. Allele origin: germline.

Eurofins Ntd Llc (ga)
Classification: Uncertain significance. Last evaluated: 2016-09-02. Review status: criteria provided, single submitter. Criteria: EGL Classification Definitions 2015. Collection method: clinical testing. Allele origin: germline. Observed: 1 variant allele, 1 heterozygote.